The following is an entry in ClinVar:

NM_000038.6(APC):c.4373C>T (p.Pro1458Leu)

Gene: APC (APC regulator of Wnt signaling pathway; plus strand). Cytogenetic location: 5q22.2.
Variant type: single nucleotide variant.
Coding change: c.4373C>T on transcript NM_000038.6 (MANE Select); coding-DNA position 4373, C replaced by T.
Protein change: p.Pro1458Leu; replaces proline 1458 with leucine.
Molecular consequence: missense variant.
Genome position (GRCh38, 1-based): chr5:112,839,967, C>T. VCF-style: chr5-112839967-C-T. GRCh37 (hg19) VCF-style: chr5-112175664-C-T.
Other names: c.4373C>T, p.Pro1458Leu (NM_001127510.3, NM_001354895.2); c.4319C>T, p.Pro1440Leu (NM_001127511.3); c.4427C>T, p.Pro1476Leu (NM_001354896.2); c.4403C>T, p.Pro1468Leu (NM_001354897.2); c.4298C>T, p.Pro1433Leu (NM_001354898.2); c.4289C>T, p.Pro1430Leu (NM_001354899.2); c.4250C>T, p.Pro1417Leu (NM_001354900.2); c.4196C>T, p.Pro1399Leu (NM_001354901.2); and 5 more; short protein forms P1175L, P1298L, P1332L, P1357L, P1367L, P1399L, P1417L, P1430L.
Identifiers: ClinVar variation 1172293 (VCV001172293.14), dbSNP rs905676531, ClinGen allele CA16030909.

ClinVar aggregate classification (germline): Uncertain significance. Review status: criteria provided, multiple submitters, no conflicts (2 of 4 stars). 4 submissions from 4 submitters: Uncertain significance (4). Last evaluated 2025-07-30.

Conditions:
Hereditary cancer-predisposing syndrome. Also called: Tumor predisposition; Hereditary neoplastic syndrome; Hereditary Cancer Syndrome; Neoplastic Syndromes, Hereditary. Identifiers: Orphanet 140162, MedGen C0027672, MeSH D009386, MONDO:0015356.
Familial adenomatous polyposis 1 (FAP1). Also called: FAMILIAL ADENOMATOUS POLYPOSIS 1, ATTENUATED; POLYPOSIS, ADENOMATOUS INTESTINAL. Identifiers: MedGen C2713442, MONDO:0021056, OMIM 175100. Disease mechanism: loss of function.

Allele frequency attached by ClinVar (database versions not stated): gnomAD exomes below 0.00001; TOPMed 0.00001.
gnomAD v4.1: 2 of 1,614,000 alleles (0.00012%); highest among the groups gnomAD compares: Admixed American, 0.0017%; no homozygotes.

Submissions (4):

Ambry Genetics
Classification: Uncertain significance for Hereditary cancer-predisposing syndrome. Last evaluated: 2025-07-30. Review status: criteria provided, single submitter. Criteria: Ambry Variant Classification Scheme 2023. Collection method: clinical testing. Allele origin: germline.
Comment: The p.P1458L variant (also known as c.4373C>T), located in coding exon 15 of the APC gene, results from a C to T substitution at nucleotide position 4373. The proline at codon 1458 is replaced by leucine, an amino acid with similar properties. This amino acid position is conserved. In addition, in silico predictors for this gene do not accurately predict pathogenicity. Missense alterations in APC are not a common cause of disease (Spier I et al. Genet Med. 2024 Feb;26(2):100992). Based on the available evidence, the clinical significance of this variant remains unclear.

Labcorp Genetics (formerly Invitae), Labcorp
Classification: Uncertain significance for Familial adenomatous polyposis 1. Last evaluated: 2025-07-08. Review status: criteria provided, single submitter. Criteria: Invitae Variant Classification Sherloc (09022015). Collection method: clinical testing. Allele origin: germline.
Comment: This sequence change replaces proline, which is neutral and non-polar, with leucine, which is neutral and non-polar, at codon 1458 of the APC protein (p.Pro1458Leu). This variant is not present in population databases (gnomAD no frequency). This variant has not been reported in the literature in individuals affected with APC-related conditions. ClinVar contains an entry for this variant (Variation ID: 1172293). Invitae Evidence Modeling of protein sequence and biophysical properties (such as structural, functional, and spatial information, amino acid conservation, physicochemical variation, residue mobility, and thermodynamic stability) indicates that this missense variant is not expected to disrupt APC protein function with a negative predictive value of 95%. In summary, the available evidence is currently insufficient to determine the role of this variant in disease. Therefore, it has been classified as a Variant of Uncertain Significance.

Blueprint Genetics
Classification: Uncertain significance. Last evaluated: 2023-09-15. Review status: criteria provided, single submitter. Criteria: ACMG Guidelines, 2015. Collection method: clinical testing. Allele origin: germline.

Color Diagnostics, LLC DBA Color Health
Classification: Uncertain significance for Hereditary cancer-predisposing syndrome. Last evaluated: 2021-02-11. Review status: criteria provided, single submitter. Criteria: ACMG Guidelines, 2015. Collection method: clinical testing. Allele origin: germline.
Comment: This missense variant replaces proline with leucine at codon 1458 of the APC protein. Computational prediction suggests that this variant may not impact protein structure and function (internally defined REVEL score threshold <= 0.5, PMID: 27666373). To our knowledge, functional studies have not been reported for this variant. This variant has not been reported in individuals affected with hereditary cancer in the literature. This variant has not been identified in the general population by the Genome Aggregation Database (gnomAD). The available evidence is insufficient to determine the role of this variant in disease conclusively. Therefore, this variant is classified as a Variant of Uncertain Significance.